The following is an entry in ClinVar:

NM_001267550.2(TTN):c.47875+1G>A

Genes: TTN-AS1 (TTN antisense RNA 1; plus strand), TTN (titin; minus strand). Cytogenetic location: 2q31.2.
Variant type: single nucleotide variant.
Coding change: c.47875+1G>A on transcript NM_001267550.2 (MANE Select); the canonical splice donor site of the intron after coding-DNA position 47875, G replaced by A.
Molecular consequence: splice donor variant.
Genome position (GRCh38, 1-based): chr2:178,617,119, C>T on the plus strand (G>A on the coding strand, the complement: TTN is on the minus strand). VCF-style: chr2-178617119-C-T. GRCh37 (hg19) VCF-style: chr2-179481846-C-T.
Other names: c.47875+1G>A (LRG_391t1, NM_001267550.1); c.20680+1G>A (NM_003319.4); c.21256+1G>A (NM_133437.4); c.21055+1G>A (NM_133432.3); c.40171+1G>A (NM_133378.4); c.42952+1G>A (NM_001256850.1).
Identifiers: ClinVar variation 223278 (VCV000223278.2), dbSNP rs869312047, ClinGen allele CA353271.

ClinVar aggregate classification (germline): Likely pathogenic. Review status: criteria provided, multiple submitters, no conflicts (2 of 4 stars). 2 submissions from 2 submitters: Likely pathogenic (2). Last evaluated 2022-06-24.

Conditions:
Dilated cardiomyopathy 1G (CMD1G). Identifiers: Orphanet 154, MedGen C1858763, MONDO:0011400, OMIM 604145.
Primary dilated cardiomyopathy (DCM). Also called: Dilated Cardiomyopathy. Identifiers: Orphanet 217604, MedGen C0007193, MeSH D002311, MONDO:0005021, HP:0001644. Inheritance: Various modes of inheritance.

Allele frequency attached by ClinVar (database versions not stated): gnomAD exomes below 0.00001.
gnomAD v4.1: 1 of 1,610,264 alleles (0.000062%); highest among the groups gnomAD compares: Non-Finnish European, 0.000085%; no homozygotes.

Submissions (2):

Victorian Clinical Genetics Services, Murdoch Childrens Research Institute
Classification: Likely pathogenic for Dilated cardiomyopathy 1G. Last evaluated: 2022-06-24. Review status: criteria provided, single submitter. Criteria: ACMG Guidelines, 2015. Collection method: clinical testing. Allele origin: germline. Inheritance: Autosomal dominant inheritance. Affected: yes.
Comment: Based on the classification scheme VCGS_Germline_v1.3.4, this variant is classified as likely pathogenic. Following criteria are met: 0102 - Loss of function is known mechanism of disease in this gene. In addition, dominant-negative is also a suggested mechanism. (PMID: 25589632). (I) 0108 - This gene is associated with both recessive and dominant disease (OMIM). (I) 0112 - The condition associated with this gene has incomplete penetrance. Variants in this gene that result in a premature truncating codon (PTC) are known to have reduced penetrance in DCM (PMID: 25589632). (I) 0211 - Canonical splice site variant without proven consequence on splicing (no functional evidence available). (SP) 0251 - This variant is heterozygous. (I) 0301 - Variant is absent from gnomAD (both v2 and v3). (SP) 0505 - Abnormal splicing is predicted by a single in silico tool and affected nucleotide is highly conserved. (I) 0600 - Variant is located between two exons in the annotated C-terminal A-band and the exon has a PSI score of 100 (PMID: 25589632). (I) 0705 - No comparable splice variants have previous evidence for pathogenicity. (I) 0803 - This variant has limited previous evidence of pathogenicity in an unrelated individual. This variant has been reported as likely pathogenic, and observed in an individual with dilated cardiomyopathy (PMID: 25589632, LOVD, ClinVar). (SP) 0905 - No published segregation evidence has been identified for this variant. (I) 1007 - No published functional evidence has been identified for this variant. (I) 1207 - Parental origin of the variant is unresolved. (I) Legend: (SP) - Supporting pathogenic, (I) - Information, (SB) - Supporting benign

Cardiovascular Biomedical Research Unit, Royal Brompton & Harefield NHS Foundation Trust
Classification: Likely pathogenic for Primary dilated cardiomyopathy. Last evaluated: 2014-10-08. Review status: criteria provided, single submitter. Criteria: Roberts et al. 2015. Collection method: research. Allele origin: germline. Inheritance: Autosomal dominant inheritance. Affected: yes. Observed: 1 variant allele. Study: Unselected DCM.
Comment: In the seven cohorts assessed, TTNtv were found in 14% of ambulant DCM, 22% end-stage or familial DCM, and 2% controls. Heterozygous nonsense, frameshift and canonical splice-disrupting variants found in constitutive and other highly utilised exons are highly likely to be pathogenic when identified in individuals with phenotypically confirmed DCM. TTNtv found incidentally in healthy individuals (excluding familial assessment of DCM relatives) are thought to have low penetrance, particularly when identified in exons that are not constitutively expressed in the heart.

Literature cited by the submitters: PubMed 25589632 (cited by Victorian Clinical Genetics Services, Murdoch Childrens Research Institute).